The following is an entry in ClinVar:

ClinVar aggregate classification (germline): Likely benign. Review status: criteria provided, multiple submitters, no conflicts (2 of 4 stars). 2 submissions from 2 submitters: Likely benign (2). Last evaluated 2026-01-05.

Conditions:
Koolen-de Vries syndrome (KDVS). Identifiers: Orphanet 96169, MedGen C1864871, MONDO:0012496, OMIM 610443.

Allele frequency attached by ClinVar (database versions not stated): ExAC 0.00005; gnomAD 0.00005 and 0.00008; gnomAD exomes 0.00005 and 0.00008; TOPMed 0.00019.
gnomAD v4.1: 96 of 1,553,684 alleles (0.0062%); highest among the groups gnomAD compares: Admixed American, 0.04%; no homozygotes.

Submissions (2):

Labcorp Genetics (formerly Invitae), Labcorp
Classification: Likely benign for Koolen-de Vries syndrome. Last evaluated: 2026-01-05. Review status: criteria provided, single submitter. Criteria: Invitae Variant Classification Sherloc (09022015). Collection method: clinical testing. Allele origin: germline.

GeneDx
Classification: Likely benign. Last evaluated: 2017-11-16. Review status: criteria provided, single submitter. Criteria: GeneDx Variant Classification (06012015). Collection method: clinical testing. Allele origin: germline. Affected: yes.
Comment: This variant is considered likely benign or benign based on one or more of the following criteria: it is a conservative change, it occurs at a poorly conserved position in the protein, it is predicted to be benign by multiple in silico algorithms, and/or has population frequency not consistent with disease.

NM_015443.4(KANSL1):c.2837+14C>T

Gene: KANSL1 (KAT8 regulatory NSL complex subunit 1). Cytogenetic location: 17q21.31.
Variant type: single nucleotide variant.
Coding change: c.2837+14C>T on transcript NM_015443.4 (MANE Select); 14 bases into the intron after coding-DNA position 2837, C replaced by T.
Molecular consequence: intron variant.
Genome position (GRCh38, 1-based): chr17:46,033,066, G>A on the plus strand (C>T on the coding strand, the complement: KANSL1 is on the minus strand). VCF-style: chr17-46033066-G-A. GRCh37 (hg19) VCF-style: chr17-44110432-G-A.
Other names: c.2834+14C>T (NM_001193465.2); c.2837+14C>T (NM_001379198.1, NM_001193466.2).
Identifiers: ClinVar variation 381697 (VCV000381697.8), dbSNP rs770089639, ClinGen allele CA8618438.
Genomic context (GRCh38, chr17:46,033,066, plus strand): 5'-GGACTCAAGTAGGGCCCAAACTCCCTGTCCACCCTCTCTCCACAGGCCCTGGGGACCCAA[G>A]CCTGCCCCATCACCTGCTGCCCCGCCGCTGGGGTGGCACACTCGTGGTCCACAGCCACCG-3'